The following is an entry in ClinVar:

NM_004380.3(CREBBP):c.2075C>T (p.Pro692Leu)

Gene: CREBBP (CREB binding lysine acetyltransferase; minus strand). Cytogenetic location: 16p13.3.
Variant type: single nucleotide variant.
Coding change: c.2075C>T on transcript NM_004380.3 (MANE Select); coding-DNA position 2075, C replaced by T.
Protein change: p.Pro692Leu; replaces proline 692 with leucine.
Molecular consequence: missense variant.
Genome position (GRCh38, 1-based): chr16:3,778,049, G>A on the plus strand (C>T on the coding strand, the complement: CREBBP is on the minus strand). VCF-style: chr16-3778049-G-A. GRCh37 (hg19) VCF-style: chr16-3828050-G-A.
Other names: c.1961C>T, p.Pro654Leu (NM_001079846.1); short protein forms P692L, P654L.
Identifiers: ClinVar variation 4989568 (VCV004989568.1).

ClinVar aggregate classification (germline): Uncertain significance (1 of 4 stars; one submission).

Conditions:
CREBBP-related disorder. Also called: CREBBP-related disorders; CREBBP-related condition.

gnomAD v4.1: 5 of 1,614,076 alleles (0.00031%); highest among the groups gnomAD compares: African/African-American, 0.0053%; no homozygotes.

Submission:

PreventionGenetics, part of Exact Sciences
Classification: Uncertain significance for CREBBP-related condition. Last evaluated: 2026-08-19. Review status: criteria provided, single submitter. Criteria: ACMG Guidelines, 2015. Collection method: clinical testing. Allele origin: germline.
Comment: The CREBBP c.2075C>T variant is predicted to result in the amino acid substitution p.Pro692Leu. To our knowledge, this variant has not been reported in the literature or in a large population database (gnomAD), indicating this variant is rare. At this time, the clinical significance of this variant is uncertain due to the absence of conclusive functional and genetic evidence.